The following is an entry in ClinVar:

ClinVar aggregate classification (germline): Uncertain significance (1 of 4 stars; one submission).

Allele frequency attached by ClinVar (database versions not stated): gnomAD exomes below 0.00001; TOPMed below 0.00001.
gnomAD v4.1: 4 of 1,613,806 alleles (0.00025%); highest among the groups gnomAD compares: East Asian, 0.0022%; no homozygotes.

Submission:

Labcorp Genetics (formerly Invitae), Labcorp
Classification: Uncertain significance. Last evaluated: 2022-09-15. Review status: criteria provided, single submitter. Criteria: Invitae Variant Classification Sherloc (09022015). Collection method: clinical testing. Allele origin: germline.
Comment: This sequence change replaces serine, which is neutral and polar, with asparagine, which is neutral and polar, at codon 349 of the ANLN protein (p.Ser349Asn). This variant is present in population databases (no rsID available, gnomAD 0.006%). This variant has not been reported in the literature in individuals affected with ANLN-related conditions. Advanced modeling of protein sequence and biophysical properties (such as structural, functional, and spatial information, amino acid conservation, physicochemical variation, residue mobility, and thermodynamic stability) performed at Invitae indicates that this missense variant is not expected to disrupt ANLN protein function. In summary, the available evidence is currently insufficient to determine the role of this variant in disease. Therefore, it has been classified as a Variant of Uncertain Significance.

NM_018685.5(ANLN):c.1046G>A (p.Ser349Asn)

Gene: ANLN (anillin, actin binding protein; plus strand). Cytogenetic location: 7p14.2.
Variant type: single nucleotide variant.
Coding change: c.1046G>A on transcript NM_018685.5 (MANE Select); coding-DNA position 1046, G replaced by A.
Protein change: p.Ser349Asn; replaces serine 349 with asparagine.
Molecular consequence: missense variant.
Genome position (GRCh38, 1-based): chr7:36,407,906, G>A. VCF-style: chr7-36407906-G-A. GRCh37 (hg19) VCF-style: chr7-36447515-G-A.
Other names: c.1046G>A, p.Ser349Asn (NM_001284301.3, NM_001284302.3); short protein forms S349N.
Identifiers: ClinVar variation 1719525 (VCV001719525.5), dbSNP rs1035003834, ClinGen allele CA157082806.